The following is an entry in ClinVar:

NM_001035.3(RYR2):c.9308C>G (p.Pro3103Arg)

Gene: RYR2 (ryanodine receptor 2; plus strand). Cytogenetic location: 1q43.
Variant type: single nucleotide variant.
Coding change: c.9308C>G on transcript NM_001035.3 (MANE Select); coding-DNA position 9308, C replaced by G.
Protein change: p.Pro3103Arg; replaces proline 3103 with arginine.
Molecular consequence: missense variant.
Genome position (GRCh38, 1-based): chr1:237,700,408, C>G. VCF-style: chr1-237700408-C-G. GRCh37 (hg19) VCF-style: chr1-237863708-C-G.
Other names: c.9308C>G (NM_001035.2); short protein forms P3103R.
Identifiers: ClinVar variation 1383068 (VCV001383068.10), dbSNP rs1208496897, ClinGen allele CA345406138.

ClinVar aggregate classification (germline): Uncertain significance. Review status: criteria provided, multiple submitters, no conflicts (2 of 4 stars). 3 submissions from 3 submitters: Uncertain significance (3). Last evaluated 2024-09-17.

Conditions:
Cardiovascular phenotype. Identifiers: MedGen CN230736.
Catecholaminergic polymorphic ventricular tachycardia (CVPT). Also called: Catecholamine-induced polymorphic ventricular tachycardia. Identifiers: Orphanet 3286, MedGen C5574922, MONDO:0017990.
Catecholaminergic polymorphic ventricular tachycardia 1. Also called: RYR2-Related Catecholaminergic Polymorphic Ventricular Tachycardia; VENTRICULAR TACHYCARDIA, CATECHOLAMINERGIC POLYMORPHIC, 1, WITH OR WITHOUT ATRIAL DYSFUNCTION AND/OR DILATED CARDIOMYOPATHY; VENTRICULAR TACHYCARDIA, STRESS-INDUCED POLYMORPHIC 1. Identifiers: Orphanet 3286, MedGen C1631597, MONDO:0011484, OMIM 604772.

gnomAD v4.1: 1 of 1,609,760 alleles (0.000062%); highest among the groups gnomAD compares: African/African-American, 0.0013%; no homozygotes.

Submissions (3):

Labcorp Genetics (formerly Invitae), Labcorp
Classification: Uncertain significance for Catecholaminergic polymorphic ventricular tachycardia 1. Last evaluated: 2024-09-17. Review status: criteria provided, single submitter. Criteria: Invitae Variant Classification Sherloc (09022015). Collection method: clinical testing. Allele origin: germline.
Comment: This sequence change replaces proline, which is neutral and non-polar, with arginine, which is basic and polar, at codon 3103 of the RYR2 protein (p.Pro3103Arg). This variant is not present in population databases (gnomAD no frequency). This variant has not been reported in the literature in individuals affected with RYR2-related conditions. ClinVar contains an entry for this variant (Variation ID: 1383068). Invitae Evidence Modeling of protein sequence and biophysical properties (such as structural, functional, and spatial information, amino acid conservation, physicochemical variation, residue mobility, and thermodynamic stability) has been performed for this missense variant. However, the output from this modeling did not meet the statistical confidence thresholds required to predict the impact of this variant on RYR2 protein function. In summary, the available evidence is currently insufficient to determine the role of this variant in disease. Therefore, it has been classified as a Variant of Uncertain Significance.

All of Us Research Program, National Institutes of Health
Classification: Uncertain significance for Catecholaminergic polymorphic ventricular tachycardia. Last evaluated: 2024-05-30. Review status: criteria provided, single submitter. Criteria: ACMG Guidelines, 2015. Collection method: clinical testing. Allele origin: germline. Inheritance: Autosomal dominant inheritance. Observed: 1 variant allele, 1 heterozygote.
Comment: This missense variant replaces proline with arginine at codon 3103 of the RYR2 protein. Computational prediction is inconclusive regarding the impact of this variant on protein structure and function (internally defined REVEL score threshold 0.5 < inconclusive < 0.7, PMID: 27666373). To our knowledge, functional studies have not been reported for this variant. This variant has not been reported in individuals affected with RYR2-related disorders in the literature. This variant has not been identified in the general population by the Genome Aggregation Database (gnomAD). The available evidence is insufficient to determine the role of this variant in disease conclusively. Therefore, this variant is classified as a Variant of Uncertain Significance.

This study involves interpretation of variants in research participants for the purpose of population health screening. Participant phenotype was not available at the time of variant classification. Additional details can be found in publication PMID: 35346344, PMCID: PMC8962531

Ambry Genetics
Classification: Uncertain significance for Cardiovascular phenotype. Last evaluated: 2023-02-24. Review status: criteria provided, single submitter. Criteria: Ambry Variant Classification Scheme 2023. Collection method: clinical testing. Allele origin: germline.
Comment: The p.P3103R variant (also known as c.9308C>G), located in coding exon 65 of the RYR2 gene, results from a C to G substitution at nucleotide position 9308. The proline at codon 3103 is replaced by arginine, an amino acid with dissimilar properties. This amino acid position is highly conserved in available vertebrate species. In addition, this alteration is predicted to be deleterious by in silico analysis. Since supporting evidence is limited at this time, the clinical significance of this alteration remains unclear.